The following is an entry in ClinVar:

ClinVar aggregate classification (germline): Benign/Likely benign. Review status: criteria provided, multiple submitters, no conflicts (2 of 4 stars). 2 submissions from 2 submitters: Benign (1); Likely benign (1). Last evaluated 2025-10-21.

Conditions:
Hereditary nonpolyposis colorectal neoplasms. Identifiers: MedGen C0009405, MeSH D003123.
Lynch syndrome 4 (LYNCH4). Also called: Hereditary non-polyposis colorectal cancer, type 4; Colorectal cancer, hereditary nonpolyposis, type 4. Identifiers: Orphanet 144, MedGen C1838333, MONDO:0013699, OMIM 614337. Disease mechanism: loss of function.

Submissions (2):

Labcorp Genetics (formerly Invitae), Labcorp
Classification: Likely benign for Hereditary nonpolyposis colorectal neoplasms. Last evaluated: 2025-10-21. Review status: criteria provided, single submitter. Criteria: Invitae Variant Classification Sherloc (09022015). Collection method: clinical testing. Allele origin: germline.

Myriad Genetics, Inc.
Classification: Benign for Lynch syndrome 4. Last evaluated: 2025-01-31. Review status: criteria provided, single submitter. Criteria: Myriad Autosomal Dominant, Autosomal Recessive and X-Linked Classification Criteria (2023). Collection method: clinical testing. Allele origin: unknown.
Comment: This variant is considered benign. This variant is a silent/synonymous amino acid change and it is not expected to impact splicing.

NM_000535.7(PMS2):c.1693T>C (p.Leu565=)

Gene: PMS2 (PMS1 homolog 2, mismatch repair system component; minus strand). Cytogenetic location: 7p22.1.
Variant type: single nucleotide variant.
Coding change: c.1693T>C on transcript NM_000535.7 (MANE Select); coding-DNA position 1693, T replaced by C.
Protein change: p.Leu565=; no amino-acid change (leucine 565 retained).
Molecular consequence: synonymous variant. On other transcripts: non-coding transcript variant (1), intron variant (1).
Genome position (GRCh38, 1-based): chr7:5,987,072, A>G on the plus strand (T>C on the coding strand, the complement: PMS2 is on the minus strand). VCF-style: chr7-5987072-A-G. GRCh37 (hg19) VCF-style: chr7-6026703-A-G.
Other names: c.1288T>C, p.Leu430= (NM_001322003.2, NM_001322004.2, NM_001322005.2 and 16 more transcripts); c.1537T>C, p.Leu513= (NM_001322006.2, NM_001406870.1); c.1375T>C, p.Leu459= (NM_001322007.2, NM_001322008.2, NM_001406876.1 and 2 more transcripts); c.1132T>C, p.Leu378= (NM_001322010.2, NM_001406906.1, NM_001406907.1); c.760T>C, p.Leu254= (NM_001322011.2, NM_001322012.2); c.1120T>C, p.Leu374= (NM_001322013.2, NM_001406909.1); c.1693T>C, p.Leu565= (NM_001322014.2, NM_001406871.1, NM_001406872.1); c.1384T>C, p.Leu462= (NM_001322015.2, NM_001406875.1, NM_001406877.1 and 5 more transcripts); and 13 more.
Identifiers: ClinVar variation 3904255 (VCV003904255.2).